The following is an entry in ClinVar:

NM_007294.4(BRCA1):c.5319_5330del (p.Asn1774_Thr1777del)

Gene: BRCA1 (BRCA1 DNA repair associated; minus strand). Cytogenetic location: 17q21.31.
Variant type: Deletion.
Coding change: c.5319_5330del on transcript NM_007294.4 (MANE Select); coding-DNA positions 5319 to 5330, 12 bases deleted (CAACATGCCCAC).
Protein change: p.Asn1774_Thr1777del.
Molecular consequence: inframe deletion. On other transcripts: inframe indel (364), non-coding transcript variant (1).
Genome position (GRCh38, 1-based): chr17:43,051,065-43,051,076, GTGGGCATGTTG deleted on the plus strand (CAACATGCCCAC on the coding strand, the reverse complement: BRCA1 is on the minus strand); deleting any 12 consecutive bases within chr17:43,051,065-43,051,079 gives the same sequence; the c. name uses the placement nearest the transcript's 3' end. VCF-style (leftmost placement, unchanged base first): chr17-43051064-TGTGGGCATGTTG-T. GRCh37 (hg19) VCF-style: chr17-41203081-TGTGGGCATGTTG-T.
Other names: c.2004_2015delCACCAACATGCC, p.Asn670_Thr673del (NM_001407986.1, NM_001407990.1, NM_001407991.1 and 12 more transcripts); c.2001_2012delCACCAACATGCC, p.Asn669_Thr672del (NM_001408392.1, NM_001408396.1, NM_001408397.1 and 8 more transcripts); c.1998_2009delCACCAACATGCC, p.Asn668_Thr671del (NM_001408406.1, NM_001408407.1, NM_001408408.1); c.1995_2006delCACCAACATGCC, p.Asn667_Thr670del (NM_001408409.1); c.1932_1943delCACCAACATGCC, p.Asn646_Thr649del (NM_001408410.1); c.1929_1940delCACCAACATGCC, p.Asn645_Thr648del (NM_001408411.1); c.1926_1937delCACCAACATGCC, p.Asn644_Thr647del (NM_001408412.1, NM_001408413.1, NM_001408414.1 and 2 more transcripts); c.1890_1901delCACCAACATGCC, p.Asn632_Thr635del (NM_001408418.1, NM_001408419.1, NM_001408420.1); and 75 more.
Identifiers: ClinVar variation 1313497 (VCV001313497.3), dbSNP rs2153054780, ClinGen allele CA2573054435.
Genomic context (GRCh38, chr17:43,051,064, plus strand): 5'-ACTCCACTATGTAAGACAAAGGCTGGTGCTGGAACTCTGGGGTTCTCCCAGGCTCTTACC[TGTGGGCATGTTG>T]GTGAAGGGCCCATAGCAACAGATTTCTAGCCCCCTGAAGATCTGGAAGAAGAGAGGAAGA-3'

ClinVar aggregate classification (germline): Uncertain significance (1 of 4 stars; one submission).

Submission:

GeneDx
Classification: Uncertain significance. Last evaluated: 2020-10-15. Review status: criteria provided, single submitter. Criteria: GeneDx Variant Classification Process June 2021. Collection method: clinical testing. Allele origin: germline. Affected: yes.
Comment: Not observed in large population cohorts (Lek et al., 2016); In-frame deletion of 4 amino acids in a non-repeat region; In silico analysis supports a deleterious effect on protein structure/function; Has not been previously published as pathogenic or benign to our knowledge; Located in the critical BRCT 2 domain (UniProt)